The following is an entry in ClinVar:

NM_000493.4(COL10A1):c.*151C>A

Genes: COL10A1 (collagen type X alpha 1 chain; minus strand), NT5DC1 (5'-nucleotidase domain containing 1; plus strand). Cytogenetic location: 6q22.1.
Variant type: single nucleotide variant.
Coding change: c.*151C>A on transcript NM_000493.4 (MANE Select); 151 bases downstream of the stop codon, C replaced by A.
Molecular consequence: 3 prime UTR variant. On other transcripts: intron variant (1).
Genome position (GRCh38, 1-based): chr6:116,119,922, G>T on the plus strand (C>A on the coding strand, the complement: COL10A1 is on the minus strand). VCF-style: chr6-116119922-G-T. GRCh37 (hg19) VCF-style: chr6-116441085-G-T.
Other names: c.*151C>A (NM_001424106.1, NM_001424107.1); c.529+1977G>T (NM_152729.3).
Identifiers: ClinVar variation 903804 (VCV000903804.4), dbSNP rs534102410, ClinGen allele CA145907879.
Genomic context (GRCh38, chr6:116,119,922, plus strand): 5'-CTAACTAGAAATTCAAGAGAGGCTTCACATACGTTTTTACGTTGCTGCTCACTTTTCAGG[G>T]GGAAGGTTTGTTGGTCTGATAGCTCAAATCTGTATTTCAGAAAATAAAAATTACATTCTT-3'

ClinVar aggregate classification (germline): Benign (1 of 4 stars; one submission).

Conditions:
Metaphyseal chondrodysplasia, Schmid type (MCDS). Also called: SPONDYLOMETAPHYSEAL DYSPLASIA, JAPANESE TYPE. Identifiers: Orphanet 174, MedGen C0265289, MONDO:0007983, OMIM 156500.

Allele frequency attached by ClinVar (database versions not stated): gnomAD 0.00004 and 0.00013; gnomAD exomes 0.00012; TOPMed 0.00015; 1000 Genomes Project 30x 0.00078; 1000 Genomes Project 0.00080.
gnomAD v4.1: 86 of 741,932 alleles (0.012%); highest among the groups gnomAD compares: East Asian, 0.14%; no homozygotes.

Submission:

Illumina Laboratory Services, Illumina
Classification: Benign for Metaphyseal chondrodysplasia, Schmid type. Last evaluated: 2018-01-13. Review status: criteria provided, single submitter. Criteria: ICSL Variant Classification Criteria 13 December 2019. Collection method: clinical testing. Allele origin: germline.
Comment: This variant was observed in the ICSL laboratory as part of a predisposition screen in an ostensibly healthy population. It had not been previously curated by ICSL or reported in the Human Gene Mutation Database (HGMD: prior to June 1st, 2018), and was therefore a candidate for classification through an automated scoring system. Utilizing variant allele frequency, disease prevalence and penetrance estimates, and inheritance mode, an automated score was calculated to assess if this variant is too frequent to cause the disease. Based on the score and internal cut-off values, a variant classified as benign is not then subjected to further curation. The score for this variant resulted in a classification of benign for this disease.